The following is an entry in ClinVar:

NM_001042492.3(NF1):c.478del (p.Arg160fs)

Gene: NF1 (neurofibromin 1; plus strand). Cytogenetic location: 17q11.2.
Variant type: Deletion.
Coding change: c.478del on transcript NM_001042492.3 (MANE Select); coding-DNA position 478, one base deleted (A; older notation c.478delA).
Protein change: p.Arg160fs; shifts the reading frame from arginine 160.
Molecular consequence: frameshift variant.
Genome position (GRCh38, 1-based): chr17:31,163,375, A deleted. VCF-style (leftmost placement, unchanged base first): chr17-31163374-CA-C. GRCh37 (hg19) VCF-style: chr17-29490392-CA-C.
Other names: c.478delA, p.Arg160Glyfs (NM_000267.4); c.478del, p.Arg160fs (NM_001128147.3); short protein forms R160fs.
Identifiers: ClinVar variation 1411620 (VCV001411620.6), dbSNP rs2143674103, ClinGen allele CA2573153600.

ClinVar aggregate classification (germline): Pathogenic (1 of 4 stars; one submission).

Conditions:
Neurofibromatosis, type 1 (NF1). Also called: Peripheral type neurofibromatosis; Neurofibromatosis, type I; VON RECKLINGHAUSEN DISEASE; NEUROFIBROMATOSIS, TYPE I, SOMATIC. Identifiers: Orphanet 636, MedGen C0027831, MONDO:0018975, OMIM 162200. Disease mechanism: loss of function.

Submission:

Labcorp Genetics (formerly Invitae), Labcorp
Classification: Pathogenic for Neurofibromatosis, type 1. Last evaluated: 2020-12-21. Review status: criteria provided, single submitter. Criteria: Invitae Variant Classification Sherloc (09022015). Collection method: clinical testing. Allele origin: germline.
Comment: For these reasons, this variant has been classified as Pathogenic. Algorithms developed to predict the effect of sequence changes on RNA splicing suggest that this variant may disrupt the consensus splice site, but this prediction has not been confirmed by published transcriptional studies. This variant has not been reported in the literature in individuals with NF1-related conditions. This variant is not present in population databases (ExAC no frequency). This sequence change creates a premature translational stop signal (p.Arg160Glyfs*5) in the NF1 gene. It is expected to result in an absent or disrupted protein product. Loss-of-function variants in NF1 are known to be pathogenic (PMID: 10712197, 23913538).

Literature cited by the submitters: PubMed 10712197; PubMed 23913538.